The following is an entry in ClinVar:

NM_006516.4(SLC2A1):c.844C>T (p.Gln282Ter)

Gene: SLC2A1 (solute carrier family 2 member 1; minus strand). Cytogenetic location: 1p34.2.
Variant type: single nucleotide variant.
Coding change: c.844C>T on transcript NM_006516.4 (MANE Select); coding-DNA position 844, C replaced by T.
Protein change: p.Gln282Ter; replaces glutamine 282 with a stop codon.
Molecular consequence: nonsense.
Genome position (GRCh38, 1-based): chr1:42,929,616, G>A on the plus strand (C>T on the coding strand, the complement: SLC2A1 is on the minus strand). VCF-style: chr1-42929616-G-A. GRCh37 (hg19) VCF-style: chr1-43395287-G-A.
Other names: short protein forms Q282*.
Identifiers: ClinVar variation 381541 (VCV000381541.8), dbSNP rs1057521066, ClinGen allele CA16603718.

ClinVar aggregate classification (germline): Pathogenic. Review status: criteria provided, multiple submitters, no conflicts (2 of 4 stars). 4 submissions from 4 submitters: Pathogenic (4). Last evaluated 2023-04-11.

Conditions:
Epilepsy, idiopathic generalized, susceptibility to, 12 (EIG12). Identifiers: MedGen C3553859, MONDO:0013919, OMIM 614847.
GLUT1 deficiency syndrome 1, autosomal recessive. Identifiers: MedGen C3149117.
Encephalopathy due to GLUT1 deficiency. Also called: GLUT1 deficiency syndrome 1, infantile onset, severe; De Vivo disease; GLUT1 deficiency syndrome 1; Classic Glucose Transporter Type 1 Deficiency Syndrome; GLUCOSE TRANSPORT DEFECT, BLOOD-BRAIN BARRIER; Glucose transporter protein syndrome. Identifiers: Orphanet 71277, MedGen C4551966, MONDO:0011724, OMIM 606777.

Submissions (4):

Genome-Nilou Lab
Classification: Pathogenic for Encephalopathy due to GLUT1 deficiency. Last evaluated: 2023-04-11. Review status: criteria provided, single submitter. Criteria: ACMG Guidelines, 2015. Collection method: clinical testing. Allele origin: germline. Affected: no.

Labcorp Genetics (formerly Invitae), Labcorp
Classification: Pathogenic for GLUT1 deficiency syndrome 1, autosomal recessive. Last evaluated: 2021-12-19. Review status: criteria provided, single submitter. Criteria: Invitae Variant Classification Sherloc (09022015). Collection method: clinical testing. Allele origin: germline.
Comment: This sequence change creates a premature translational stop signal (p.Gln282*) in the SLC2A1 gene. It is expected to result in an absent or disrupted protein product. Loss-of-function variants in SLC2A1 are known to be pathogenic (PMID: 21832227, 26193382). This variant is not present in population databases (gnomAD no frequency). This premature translational stop signal has been observed in individual(s) with clinical features of GLUT1 deficiency syndrome (PMID: 20129935, 28556183). ClinVar contains an entry for this variant (Variation ID: 381541). For these reasons, this variant has been classified as Pathogenic.

GeneDx
Classification: Pathogenic. Last evaluated: 2017-01-19. Review status: criteria provided, single submitter. Criteria: GeneDx Variant Classification (06012015). Collection method: clinical testing. Allele origin: germline. Affected: yes.
Comment: This variant is predicted to cause loss of normal protein function either through protein truncation or nonsense-mediated mRNA decay. The Q282X variant was not observed in approximately 6,500 individuals of European and African American ancestry in the NHLBI Exome Sequencing Project, indicating it is not a common benign variant in these populations. We interpret Q282X as a pathogenic variant.

Centre de Biologie Pathologie Génétique, Centre Hospitalier Universitaire de Lille
Classification: Pathogenic for Epilepsy, idiopathic generalized, susceptibility to, 12. Review status: criteria provided, single submitter. Criteria: ACMG Guidelines, 2015. Collection method: clinical testing. Allele origin: de novo. Affected: yes.

Literature cited by the submitters: PubMed 21832227 (cited by Labcorp Genetics (formerly Invitae), Labcorp); PubMed 26193382 (cited by Labcorp Genetics (formerly Invitae), Labcorp); PubMed 20129935 (cited by Labcorp Genetics (formerly Invitae), Labcorp); PubMed 28556183 (cited by Labcorp Genetics (formerly Invitae), Labcorp).